The following is an entry in ClinVar:

ClinVar aggregate classification (germline): Uncertain significance (1 of 4 stars; one submission).

Allele frequency attached by ClinVar (database versions not stated): TOPMed below 0.00001.

Submission:

Labcorp Genetics (formerly Invitae), Labcorp
Classification: Uncertain significance. Last evaluated: 2024-02-23. Review status: criteria provided, single submitter. Criteria: Invitae Variant Classification Sherloc (09022015). Collection method: clinical testing. Allele origin: germline.
Comment: This sequence change replaces threonine, which is neutral and polar, with isoleucine, which is neutral and non-polar, at codon 1184 of the GPR179 protein (p.Thr1184Ile). This variant is not present in population databases (gnomAD no frequency). This variant has not been reported in the literature in individuals affected with GPR179-related conditions. ClinVar contains an entry for this variant (Variation ID: 1464448). An algorithm developed to predict the effect of missense changes on protein structure and function (PolyPhen-2) suggests that this variant is likely to be tolerated. In summary, the available evidence is currently insufficient to determine the role of this variant in disease. Therefore, it has been classified as a Variant of Uncertain Significance.

NM_001004334.4(GPR179):c.3551C>T (p.Thr1184Ile)

Gene: GPR179 (G protein-coupled receptor 179; minus strand). Cytogenetic location: 17q12.
Variant type: single nucleotide variant.
Coding change: c.3551C>T on transcript NM_001004334.4 (MANE Select); coding-DNA position 3551, C replaced by T.
Protein change: p.Thr1184Ile; replaces threonine 1184 with isoleucine.
Molecular consequence: missense variant.
Genome position (GRCh38, 1-based): chr17:38,330,018, G>A on the plus strand (C>T on the coding strand, the complement: GPR179 is on the minus strand). VCF-style: chr17-38330018-G-A. GRCh37 (hg19) VCF-style: chr17-36485901-G-A.
Other names: short protein forms T1184I.
Identifiers: ClinVar variation 1464448 (VCV001464448.6), dbSNP rs1480975305, ClinGen allele CA398879317.